The following is an entry in ClinVar:

NM_003119.4(SPG7):c.1552+2dup

Gene: SPG7 (SPG7 matrix AAA peptidase subunit, paraplegin; plus strand). Cytogenetic location: 16q24.3.
Variant type: Duplication.
Coding change: c.1552+2dup on transcript NM_003119.4 (MANE Select); the canonical splice donor site of the intron after coding-DNA position 1552, one base duplicated (T; older notation c.1552+2dupT).
Molecular consequence: splice donor variant.
Genome position (GRCh38, 1-based): chr16:89,546,762, T duplicated. VCF-style (leftmost placement, unchanged base first): chr16-89546761-G-GT. GRCh37 (hg19) VCF-style: chr16-89613169-G-GT.
Other names: c.1552+2dup (NM_001363850.1); c.1552+1_1552+2insT (NM_003119.4).
Identifiers: ClinVar variation 989126 (VCV000989126.7), dbSNP rs1567928509, ClinGen allele CA624245526.

ClinVar aggregate classification (germline): Conflicting classifications of pathogenicity. Review status: criteria provided, conflicting classifications (1 of 4 stars). 3 submissions from 3 submitters: Pathogenic (1); Likely pathogenic (1); Uncertain significance (1). Last evaluated 2020-10-15.

Conditions:
Hereditary spastic paraplegia 7 (SPG7). Also called: SPASTIC PARAPLEGIA 7, AUTOSOMAL RECESSIVE, WITH OR WITHOUT CEREBELLAR ATAXIA; Spastic paraplegia 7; Hereditary spastic paraplegia Paraplegin type; Autosomal recessive spastic paraplegia type 7; SPG7-related neurologic disorder. Identifiers: Orphanet 99013, MedGen C1846564, MONDO:0011803, OMIM 607259.

Allele frequency attached by ClinVar (database versions not stated): gnomAD exomes below 0.00001; gnomAD 0.00001.

Submissions (3):

Athena Diagnostics
Classification: Uncertain significance. Last evaluated: 2020-10-15. Review status: criteria provided, single submitter. Criteria: Athena Diagnostics criteria. Collection method: clinical testing. Allele origin: unknown.

Genetic Services Laboratory, University of Chicago
Classification: Likely pathogenic. Last evaluated: 2020-05-13. Review status: criteria provided, single submitter. Criteria: ACMG Guidelines, 2015. Collection method: clinical testing. Allele origin: germline. Affected: yes.
Comment: DNA sequence analysis of the SPG7 gene demonstrated a sequence change near the canonical splice donor site of intron 11, c.1552+2dup. Based on in silico splice prediction programs, this sequence change likely affects normal splicing of the SPG7 gene, which would result in an abnormal protein (exon 11 skipping is possible). This particular sequence change has been described in the gnomAD database in one individual which corresponds to a population frequency of 0.00040%. This particular sequence change does not appear to have been described in the literature in other patients with SPG7 related disorders, however, a different splice site variant at the same position, c.1552+1G>T, has been described in the homozygous state in patient with spastic paraplegia. This change lead to an abnormally spliced mRNA lacking exon 11 (PMID: 20108356). These collective evidences indicate that this sequence change is likely pathogenic, however functional studies have not been performed to prove this conclusively.

Paris Brain Institute, Inserm - ICM
Classification: Pathogenic for Hereditary spastic paraplegia 7. Review status: criteria provided, single submitter. Criteria: ACMG Guidelines, 2015. Collection method: clinical testing. Allele origin: unknown. Affected: yes. Observed: 1 variant allele.